The following is an entry in ClinVar:

NM_153676.4(USH1C):c.2227-2A>G

Gene: USH1C (USH1 protein network component harmonin; minus strand). Cytogenetic location: 11p15.1.
Variant type: single nucleotide variant.
Coding change: c.2227-2A>G on transcript NM_153676.4 (MANE Select); the canonical splice acceptor site of the intron before coding-DNA position 2227, A replaced by G.
Molecular consequence: splice acceptor variant.
Genome position (GRCh38, 1-based): chr11:17,501,537, T>C on the plus strand (A>G on the coding strand, the complement: USH1C is on the minus strand). VCF-style: chr11-17501537-T-C. GRCh37 (hg19) VCF-style: chr11-17523084-T-C.
Other names: c.1270-2A>G (NM_001297764.2); c.1327-2A>G (NM_005709.4).
Identifiers: ClinVar variation 1458123 (VCV001458123.8), dbSNP rs2133786425, ClinGen allele CA379803676.

ClinVar aggregate classification (germline): Pathogenic (1 of 4 stars; one submission).

Submission:

Labcorp Genetics (formerly Invitae), Labcorp
Classification: Pathogenic. Last evaluated: 2021-01-20. Review status: criteria provided, single submitter. Criteria: Invitae Variant Classification Sherloc (09022015). Collection method: clinical testing. Allele origin: germline.
Comment: This sequence change affects an acceptor splice site in intron 16 of the USH1C gene. It is expected to disrupt RNA splicing. Variants that disrupt the donor or acceptor splice site typically lead to a loss of protein function (PMID: 16199547), and loss-of-function variants in USH1C are known to be pathogenic (PMID: 10973247, 17407589, 20301442, 21203349). This variant is not present in population databases (ExAC no frequency). Disruption of this splice site has been observed in individual(s) with clinical features of autosomal recessive Usher syndrome (PMID: 21487335, 22135276). Disruption of this splice site has also been observed to segregate with disease in related individuals. Disruption of this splice site has been reported as c.2227-1G>T in the literature. Algorithms developed to predict the effect of sequence changes on RNA splicing suggest that this variant may disrupt the consensus splice site, but this prediction has not been confirmed by published transcriptional studies. For these reasons, this variant has been classified as Pathogenic.

Literature cited by the submitters: PubMed 16199547; PubMed 10973247; PubMed 17407589; PubMed 20301442; PubMed 21203349; PubMed 21487335; PubMed 22135276.